The following is an entry in ClinVar:

NM_007194.4(CHEK2):c.730A>T (p.Lys244Ter)

Gene: CHEK2 (checkpoint kinase 2; minus strand). Cytogenetic location: 22q12.1.
Variant type: single nucleotide variant.
Coding change: c.730A>T on transcript NM_007194.4 (MANE Select); coding-DNA position 730, A replaced by T.
Protein change: p.Lys244Ter; replaces lysine 244 with a stop codon.
Molecular consequence: nonsense.
Genome position (GRCh38, 1-based): chr22:28,711,971, T>A on the plus strand (A>T on the coding strand, the complement: CHEK2 is on the minus strand). VCF-style: chr22-28711971-T-A. GRCh37 (hg19) VCF-style: chr22-29107959-T-A.
Other names: c.859A>T, p.Lys287Ter (NM_001005735.3); c.67A>T, p.Lys23Ter (NM_001257387.3); c.529A>T, p.Lys177Ter (NM_001349956.3); c.730A>T, p.Lys244Ter (NM_145862.3); short protein forms K177*, K23*, K287*, K244*.
Identifiers: ClinVar variation 1758243 (VCV001758243.2), dbSNP rs2517961978, ClinGen allele CA411103305.
Genomic context (GRCh38, chr22:28,711,971, plus strand): 5'-CCTCTCTTGCTGAACCAATAGCAAACTTCCTTTTGCTGATGATCTTTATGGCTACTTTCT[T>A]ACATGTTTTCCTCTCGAAAGCCAGCTTTACCTCTCCACAGGCACCACTAGAGGGAAAAAC-3'

ClinVar aggregate classification (germline): Pathogenic (1 of 4 stars; one submission).

Conditions:
Hereditary cancer-predisposing syndrome. Also called: Neoplastic Syndromes, Hereditary; Tumor predisposition; Hereditary Cancer Syndrome; Hereditary neoplastic syndrome. Identifiers: Orphanet 140162, MedGen C0027672, MeSH D009386, MONDO:0015356.

Submission:

Ambry Genetics
Classification: Pathogenic for Hereditary cancer-predisposing syndrome. Last evaluated: 2015-10-21. Review status: criteria provided, single submitter. Criteria: Ambry Variant Classification Scheme 2023. Collection method: clinical testing. Allele origin: germline.
Comment: The p.K244* pathogenic mutation (also known as c.730A>T), located in coding exon 5 of the CHEK2 gene, results from an A to T substitution at nucleotide position 730. This changes the amino acid from a lysine to a stop codon within coding exon 5. Since premature stop codons are typically deleterious in nature, this alteration is interpreted as a disease-causing mutation (ACMG Recommendations for Standards for Interpretation and Reporting of Sequence Variations. Revision 2007. Genet Med. 2008;10:294).